The following is an entry in ClinVar:

ClinVar aggregate classification (germline): Uncertain significance (1 of 4 stars; one submission).

Allele frequency attached by ClinVar (database versions not stated): ExAC 0.00001.
gnomAD v4.1: 5 of 1,538,260 alleles (0.00033%); highest among the groups gnomAD compares: East Asian, 0.0023%; no homozygotes.

Submission:

Labcorp Genetics (formerly Invitae), Labcorp
Classification: Uncertain significance. Last evaluated: 2022-09-27. Review status: criteria provided, single submitter. Criteria: Invitae Variant Classification Sherloc (09022015). Collection method: clinical testing. Allele origin: germline.
Comment: In summary, the available evidence is currently insufficient to determine the role of this variant in disease. Therefore, it has been classified as a Variant of Uncertain Significance. Advanced modeling of protein sequence and biophysical properties (such as structural, functional, and spatial information, amino acid conservation, physicochemical variation, residue mobility, and thermodynamic stability) performed at Invitae indicates that this missense variant is not expected to disrupt POC1B protein function. ClinVar contains an entry for this variant (Variation ID: 1482731). This variant has not been reported in the literature in individuals affected with POC1B-related conditions. This variant is present in population databases (rs774587323, gnomAD 0.005%). This sequence change replaces arginine, which is basic and polar, with histidine, which is basic and polar, at codon 148 of the POC1B protein (p.Arg148His).

NM_172240.3(POC1B):c.443G>A (p.Arg148His)

Genes: POC1B (POC1 centriolar protein B; minus strand), POC1B-DUSP6 (POC1B-DUSP6 readthrough; minus strand). Cytogenetic location: 12q21.33.
Variant type: single nucleotide variant.
Coding change: c.443G>A on transcript NM_172240.3 (MANE Select); coding-DNA position 443, G replaced by A.
Protein change: p.Arg148His; replaces arginine 148 with histidine.
Molecular consequence: missense variant. On other transcripts: non-coding transcript variant (2).
Genome position (GRCh38, 1-based): chr12:89,491,945, C>T on the plus strand (G>A on the coding strand, the complement: POC1B is on the minus strand). VCF-style: chr12-89491945-C-T. GRCh37 (hg19) VCF-style: chr12-89885722-C-T.
Other names: c.317G>A, p.Arg106His (NM_001199777.2); short protein forms R106H, R148H.
Identifiers: ClinVar variation 1482731 (VCV001482731.6), dbSNP rs774587323, ClinGen allele CA6714517.